The following is an entry in ClinVar:

NM_001371928.1(AHDC1):c.166G>A (p.Ala56Thr)

Gene: AHDC1 (AT-hook DNA binding motif containing 1; minus strand). Cytogenetic location: 1p36.11.
Variant type: single nucleotide variant.
Coding change: c.166G>A on transcript NM_001371928.1 (MANE Select); coding-DNA position 166, G replaced by A.
Protein change: p.Ala56Thr; replaces alanine 56 with threonine.
Molecular consequence: missense variant.
Genome position (GRCh38, 1-based): chr1:27,551,950, C>T on the plus strand (G>A on the coding strand, the complement: AHDC1 is on the minus strand). VCF-style: chr1-27551950-C-T. GRCh37 (hg19) VCF-style: chr1-27878461-C-T.
Other names: c.166G>A, p.Ala56Thr (NM_001029882.3); c.166G>A (NM_001029882.2); short protein forms A56T.
Identifiers: ClinVar variation 3021259 (VCV003021259.4), dbSNP rs766999202, ClinGen allele CA716212.
Genomic context (GRCh38, chr1:27,551,950, plus strand): 5'-CTGGTGGGCGCCGGGTGCTGGGGTCCCGGCGTGGGGGTGGGCGTGGGTTCTCGGAGAAGG[C>T]GTGGGTGGAGAAGGCCTTGTCAGGTGGGCTGGCAGGGGGCCGGGTGGGAAGCAGGGGCCG-3'
Protein context (NP_001358857.1, residues 46-66): SPPDKAFSTH[Ala56Thr]FSENPRPPPR

ClinVar aggregate classification (germline): Conflicting classifications of pathogenicity. Review status: criteria provided, conflicting classifications (1 of 4 stars). 2 submissions from 2 submitters: Uncertain significance (1); Likely benign (1). Last evaluated 2025-08-17.

Conditions:
Inborn genetic diseases. Identifiers: MedGen C0950123, MeSH D030342.

Allele frequency attached by ClinVar (database versions not stated): ExAC 0.00003; gnomAD exomes 0.00001; gnomAD 0.00004.
gnomAD v4.1: 15 of 1,153,536 alleles (0.0013%); highest among the groups gnomAD compares: Admixed American, 0.015%; no homozygotes.

Submissions (2):

Labcorp Genetics (formerly Invitae), Labcorp
Classification: Uncertain significance. Last evaluated: 2025-08-17. Review status: criteria provided, single submitter. Criteria: Invitae Variant Classification Sherloc (09022015). Collection method: clinical testing. Allele origin: germline.
Comment: This sequence change replaces alanine, which is neutral and non-polar, with threonine, which is neutral and polar, at codon 56 of the AHDC1 protein (p.Ala56Thr). This variant is present in population databases (rs766999202, gnomAD 0.02%). This variant has not been reported in the literature in individuals affected with AHDC1-related conditions. ClinVar contains an entry for this variant (Variation ID: 3021259). An algorithm developed to predict the effect of missense changes on protein structure and function outputs the following: PolyPhen-2: "Benign". The threonine amino acid residue is found in multiple mammalian species, which suggests that this missense change does not adversely affect protein function. In summary, the available evidence is currently insufficient to determine the role of this variant in disease. Therefore, it has been classified as a Variant of Uncertain Significance.

Ambry Genetics
Classification: Likely benign for Inborn genetic diseases. Last evaluated: 2025-02-21. Review status: criteria provided, single submitter. Criteria: Ambry Variant Classification Scheme 2023. Collection method: clinical testing. Allele origin: germline.